The following is an entry in ClinVar:

ClinVar aggregate classification (germline): Pathogenic/Likely pathogenic. Review status: criteria provided, multiple submitters, no conflicts (2 of 4 stars). 5 submissions from 5 submitters: Pathogenic (3); Likely pathogenic (2). Last evaluated 2024-04-08.

Conditions:
CASK-related disorder. Also called: CASK-related disorders; CASK-related condition.
Smith-Magenis Syndrome-like.
Syndromic X-linked intellectual disability Najm type (MICPCH). Also called: Mental retardation and microcephaly with pontine and cerebellar hypoplasia; MENTAL RETARDATION, X-LINKED, SYNDROMIC, NAJM TYPE; Intellectual Disability and Microcephaly with Pontine and Cerebellar Hypoplasia; MICPCH SYNDROME; Intellectual developmental disorder and microcephaly with pontine and cerebellar hypoplasia; Intellectual Disability and Microcephaly with Pontine and Cerebellar Hypoplasia (MICPCH). Identifiers: Orphanet 163937, MedGen C2677903, MONDO:0010417, OMIM 300749.
Intellectual disability, CASK-related, X-linked. Identifiers: MedGen CN043158.

Submissions (5):

Labcorp Genetics (formerly Invitae), Labcorp
Classification: Pathogenic for Intellectual disability, CASK-related, X-linked. Last evaluated: 2024-04-08. Review status: criteria provided, single submitter. Criteria: Invitae Variant Classification Sherloc (09022015). Collection method: clinical testing. Allele origin: germline.
Comment: This sequence change replaces arginine, which is basic and polar, with tryptophan, which is neutral and slightly polar, at codon 489 of the CASK protein (p.Arg489Trp). This variant is not present in population databases (gnomAD no frequency). This missense change has been observed in individual(s) with CASK-related conditions (PMID: 27799067, 33090494). In at least one individual the variant was observed to be de novo. ClinVar contains an entry for this variant (Variation ID: 254208). Advanced modeling of protein sequence and biophysical properties (such as structural, functional, and spatial information, amino acid conservation, physicochemical variation, residue mobility, and thermodynamic stability) has been performed at Invitae for this missense variant, however the output from this modeling did not meet the statistical confidence thresholds required to predict the impact of this variant on CASK protein function. This variant disrupts the p.Arg489 amino acid residue in CASK. Other variant(s) that disrupt this residue have been determined to be pathogenic (Invitae). This suggests that this residue is clinically significant, and that variants that disrupt this residue are likely to be disease-causing. For these reasons, this variant has been classified as Pathogenic.

GeneDx
Classification: Pathogenic. Last evaluated: 2023-01-18. Review status: criteria provided, single submitter. Criteria: GeneDx Variant Classification Process June 2021. Collection method: clinical testing. Allele origin: germline. Affected: yes.
Comment: Not observed at significant frequency in large population cohorts (gnomAD); In silico analysis supports that this missense variant has a deleterious effect on protein structure/function; This variant is associated with the following publications: (PMID: 27799067, 33090494, 32313833)

Mendelics
Classification: Likely pathogenic for Syndromic X-linked intellectual disability Najm type. Last evaluated: 2019-05-28. Review status: criteria provided, single submitter. Criteria: Mendelics Assertion Criteria 2017. Collection method: clinical testing. Allele origin: unknown.

CENTOGENE GmbH and LLC - Guiding Precision Medicine
Classification: Likely pathogenic for Syndromic X-linked intellectual disability Najm type. Last evaluated: 2018-05-28. Review status: criteria provided, single submitter. Criteria: ACMG Guidelines, 2015. Collection method: clinical testing. Allele origin: germline. Affected: yes.

Lupski Lab, Baylor-Hopkins CMG, Baylor College of Medicine
Classification: Pathogenic for Smith-Magenis Syndrome-like. Last evaluated: 2016-08-15. Review status: criteria provided, single submitter. Criteria: Loviglio et al (Genome Med 2016). Collection method: research. Allele origin: de novo. Inheritance: Autosomal dominant inheritance. Affected: yes. Study: Identification of a RAI1-associated disease network through integration of exome sequencing, transcriptomics and 3D genomics.

Literature cited by the submitters: PubMed 27799067 (cited by Labcorp Genetics (formerly Invitae), Labcorp); PubMed 33090494 (cited by Labcorp Genetics (formerly Invitae), Labcorp).

NM_001367721.1(CASK):c.1465C>T (p.Arg489Trp)

Gene: CASK (calcium/calmodulin dependent serine protein kinase; minus strand). Cytogenetic location: Xp11.4.
Variant type: single nucleotide variant.
Coding change: c.1465C>T on transcript NM_001367721.1 (MANE Select); coding-DNA position 1465, C replaced by T.
Protein change: p.Arg489Trp; replaces arginine 489 with tryptophan.
Molecular consequence: missense variant.
Genome position (GRCh38, 1-based): chrX:41,578,378, G>A on the plus strand (C>T on the coding strand, the complement: CASK is on the minus strand). VCF-style: chrX-41578378-G-A. GRCh37 (hg19) VCF-style: chrX-41437631-G-A.
Other names: c.1465C>T, p.Arg489Trp (NM_001126054.3, NM_003688.4); c.1447C>T, p.Arg483Trp (NM_001126055.3, NM_001410745.1); short protein forms R489W, R483W.
Identifiers: ClinVar variation 254208 (VCV000254208.9), dbSNP rs1114167352, ClinGen allele CA412997373.